The following is an entry in ClinVar:

ClinVar aggregate classification (germline): Uncertain significance (1 of 4 stars; one submission).

Conditions:
Peroxisome biogenesis disorder 11A (Zellweger). Also called: Peroxisome biogenesis disorder 11A. Identifiers: Orphanet 912, MedGen C3554000, MONDO:0013949, OMIM 614883.

Submission:

Labcorp Genetics (formerly Invitae), Labcorp
Classification: Uncertain significance for Peroxisome biogenesis disorder 11A (Zellweger). Last evaluated: 2021-02-03. Review status: criteria provided, single submitter. Criteria: Invitae Variant Classification Sherloc (09022015). Collection method: clinical testing. Allele origin: germline.
Comment: In summary, the available evidence is currently insufficient to determine the role of this variant in disease. Therefore, it has been classified as a Variant of Uncertain Significance. Algorithms developed to predict the effect of missense changes on protein structure and function (SIFT, PolyPhen-2, Align-GVGD) all suggest that this variant is likely to be disruptive, but these predictions have not been confirmed by published functional studies and their clinical significance is uncertain. This variant has not been reported in the literature in individuals with PEX13-related conditions. This variant is not present in population databases (ExAC no frequency). This sequence change replaces arginine with tryptophan at codon 186 of the PEX13 protein (p.Arg186Trp). The arginine residue is highly conserved and there is a moderate physicochemical difference between arginine and tryptophan.

NM_002618.4(PEX13):c.556A>T (p.Arg186Trp)

Gene: PEX13 (peroxisomal biogenesis factor 13; plus strand). Cytogenetic location: 2p15.
Variant type: single nucleotide variant.
Coding change: c.556A>T on transcript NM_002618.4 (MANE Select); coding-DNA position 556, A replaced by T.
Protein change: p.Arg186Trp; replaces arginine 186 with tryptophan.
Molecular consequence: missense variant.
Genome position (GRCh38, 1-based): chr2:61,031,882, A>T. VCF-style: chr2-61031882-A-T. GRCh37 (hg19) VCF-style: chr2-61259017-A-T.
Other names: short protein forms R186W.
Identifiers: ClinVar variation 1507202 (VCV001507202.8), dbSNP rs2104803544, ClinGen allele CA346943853.